The following is an entry in ClinVar:

NM_002451.4(MTAP):c.*657T>C

Gene: MTAP (methylthioadenosine phosphorylase; plus strand). Cytogenetic location: 9p21.3.
Variant type: single nucleotide variant.
Coding change: c.*657T>C on transcript NM_002451.4 (MANE Select); 657 bases downstream of the stop codon, T replaced by C.
Molecular consequence: 3 prime UTR variant.
Genome position (GRCh38, 1-based): chr9:21,862,671, T>C. VCF-style: chr9-21862671-T-C. GRCh37 (hg19) VCF-style: chr9-21862670-T-C.
Identifiers: ClinVar variation 366263 (VCV000366263.5), dbSNP rs146095448, ClinGen allele CA10629772.

ClinVar aggregate classification (germline): Benign (1 of 4 stars; one submission).

Conditions:
Diaphyseal medullary stenosis-bone malignancy syndrome. Also called: MYOPATHY, LIMB-GIRDLE, WITH BONE FRAGILITY; BONE DYSPLASIA WITH MALIGNANT FIBROUS HISTIOCYTOMA; BONE DYSPLASIA WITH MEDULLARY FIBROSARCOMA. Identifiers: Orphanet 85182, MedGen C1862177, MONDO:0007205, OMIM 112250.

Allele frequency attached by ClinVar (database versions not stated): gnomAD exomes 0.00255; gnomAD 0.01261 and 0.01370; 1000 Genomes Project 0.01278; 1000 Genomes Project 30x 0.01405; TOPMed 0.01464.
gnomAD v4.1: 1,914 of 152,722 alleles (1.3%); highest among the groups gnomAD compares: African/African-American, 4.2%; 44 homozygotes.

Submission:

Illumina Laboratory Services, Illumina
Classification: Benign for Diaphyseal medullary stenosis-bone malignancy syndrome. Last evaluated: 2018-01-12. Review status: criteria provided, single submitter. Criteria: ICSL Variant Classification Criteria 13 December 2019. Collection method: clinical testing. Allele origin: germline.
Comment: This variant was observed in the ICSL laboratory as part of a predisposition screen in an ostensibly healthy population. It had not been previously curated by ICSL or reported in the Human Gene Mutation Database (HGMD: prior to June 1st, 2018), and was therefore a candidate for classification through an automated scoring system. Utilizing variant allele frequency, disease prevalence and penetrance estimates, and inheritance mode, an automated score was calculated to assess if this variant is too frequent to cause the disease. Based on the score and internal cut-off values, a variant classified as benign is not then subjected to further curation. The score for this variant resulted in a classification of benign for this disease.